The following is an entry in ClinVar:

ClinVar aggregate classification (germline): Benign/Likely benign. Review status: criteria provided, multiple submitters, no conflicts (2 of 4 stars). 3 submissions from 3 submitters: Benign (1); Likely benign (2). Last evaluated 2026-07-08.

Conditions:
Rhabdoid tumor predisposition syndrome 2 (RTPS2). Identifiers: Orphanet 231108, Orphanet 69077, MedGen C2750074, MONDO:0013224, OMIM 613325.
Hereditary cancer-predisposing syndrome. Also called: Tumor predisposition; Neoplastic Syndromes, Hereditary; Hereditary Cancer Syndrome; Hereditary neoplastic syndrome. Identifiers: Orphanet 140162, MedGen C0027672, MeSH D009386, MONDO:0015356.

Allele frequency attached by ClinVar (database versions not stated): gnomAD exomes below 0.00001.
gnomAD v4.1: 4 of 1,609,974 alleles (0.00025%); highest among the groups gnomAD compares: Admixed American, 0.0034%; no homozygotes.

Submissions (3):

Myriad Genetics, Inc.
Classification: Benign for Rhabdoid tumor predisposition syndrome 2. Last evaluated: 2026-07-08. Review status: criteria provided, single submitter. Criteria: Myriad Autosomal Dominant, Autosomal Recessive and X-Linked Classification Criteria (2023). Collection method: clinical testing. Allele origin: unknown.
Comment: This variant is considered benign. This variant is a silent/synonymous amino acid change and it is not expected to impact splicing.

Labcorp Genetics (formerly Invitae), Labcorp
Classification: Likely benign for Rhabdoid tumor predisposition syndrome 2. Last evaluated: 2025-04-17. Review status: criteria provided, single submitter. Criteria: Invitae Variant Classification Sherloc (09022015). Collection method: clinical testing. Allele origin: germline.

Ambry Genetics
Classification: Likely benign for Hereditary cancer-predisposing syndrome. Last evaluated: 2016-07-19. Review status: criteria provided, single submitter. Criteria: Ambry Variant Classification Scheme 2023. Collection method: clinical testing. Allele origin: germline.

NM_003072.5(SMARCA4):c.132G>T (p.Gly44=)

Gene: SMARCA4 (SWI/SNF related BAF chromatin remodeling complex subunit ATPase 4; plus strand). Cytogenetic location: 19p13.2.
Variant type: single nucleotide variant.
Coding change: c.132G>T on transcript NM_003072.5 (MANE Select); coding-DNA position 132, G replaced by T.
Protein change: p.Gly44=; no amino-acid change (glycine 44 retained).
Molecular consequence: synonymous variant. On other transcripts: non-coding transcript variant (1).
Genome position (GRCh38, 1-based): chr19:10,984,283, G>T. VCF-style: chr19-10984283-G-T. GRCh37 (hg19) VCF-style: chr19-11094959-G-T.
Other names: c.132G>T, p.Gly44= (NM_001128844.3, NM_001128845.2, NM_001128846.2 and 5 more transcripts).
Identifiers: ClinVar variation 484910 (VCV000484910.16), dbSNP rs1377214956, ClinGen allele CA505487233.